The following is an entry in ClinVar:

ClinVar aggregate classification (germline): Benign (0 of 4 stars; one submission).

Conditions:
MSH5-related disorder. Also called: MSH5-related condition.

Allele frequency attached by ClinVar (database versions not stated): gnomAD exomes 0.02015; ExAC 0.02890; 1000 Genomes Project 0.04732; gnomAD 0.04916; 1000 Genomes Project 30x 0.05262; ESP Exome Variant Server 0.05359; TOPMed 0.05730.
gnomAD v4.1: 37,661 of 1,614,030 alleles (2.3%); highest among the groups gnomAD compares: African/African-American, 12%; 1,098 homozygotes.

Submission:

PreventionGenetics, part of Exact Sciences
Classification: Benign for MSH5-related condition. Last evaluated: 2019-10-17. Review status: no assertion criteria provided. Collection method: clinical testing. Allele origin: germline.
Comment: This variant is classified as benign based on ACMG/AMP sequence variant interpretation guidelines (Richards et al. 2015 PMID: 25741868, with internal and published modifications).

NM_172166.4(MSH5):c.2356C>T (p.Pro786Ser)

Genes: MSH5 (mutS homolog 5; plus strand), MSH5-SAPCD1 (MSH5-SAPCD1 readthrough (NMD candidate); plus strand). Cytogenetic location: 6p21.33.
Variant type: single nucleotide variant.
Coding change: c.2356C>T on transcript NM_172166.4 (MANE Select); coding-DNA position 2356, C replaced by T.
Protein change: p.Pro786Ser; replaces proline 786 with serine.
Molecular consequence: missense variant. On other transcripts: non-coding transcript variant (1).
Genome position (GRCh38, 1-based): chr6:31,762,148, C>T. VCF-style: chr6-31762148-C-T. GRCh37 (hg19) VCF-style: chr6-31729925-C-T.
Other names: c.2356C>T, p.Pro786Ser (NM_002441.5); c.2320C>T, p.Pro774Ser (NM_025259.6); c.2359C>T, p.Pro787Ser (NM_172165.4); short protein forms P774S, P786S, P787S.
Identifiers: ClinVar variation 3056743 (VCV003056743.2), dbSNP rs1802127, ClinGen allele CA3721603.